The following is an entry in ClinVar:

NM_000540.3(RYR1):c.6588C>A (p.Asn2196Lys)

Gene: RYR1 (ryanodine receptor 1; plus strand). Cytogenetic location: 19q13.2.
Variant type: single nucleotide variant.
Coding change: c.6588C>A on transcript NM_000540.3 (MANE Select); coding-DNA position 6588, C replaced by A.
Protein change: p.Asn2196Lys; replaces asparagine 2196 with lysine.
Molecular consequence: missense variant.
Genome position (GRCh38, 1-based): chr19:38,496,254, C>A. VCF-style: chr19-38496254-C-A. GRCh37 (hg19) VCF-style: chr19-38986894-C-A.
Other names: c.6588C>A, p.Asn2196Lys (NM_001042723.2); short protein forms N2196K.
Identifiers: ClinVar variation 1934174 (VCV001934174.5), dbSNP rs1969817957, ClinGen allele CA405665727.

ClinVar aggregate classification (germline): Uncertain significance (1 of 4 stars; one submission).

Conditions:
RYR1-related disorder. Also called: RYR1-related condition; RYR1-related disorders. Identifiers: MedGen CN239331.

Allele frequency attached by ClinVar (database versions not stated): TOPMed below 0.00001.

Submission:

Labcorp Genetics (formerly Invitae), Labcorp
Classification: Uncertain significance for RYR1-related disorder. Last evaluated: 2022-08-24. Review status: criteria provided, single submitter. Criteria: Invitae Variant Classification Sherloc (09022015). Collection method: clinical testing. Allele origin: germline.
Comment: In summary, the available evidence is currently insufficient to determine the role of this variant in disease. Therefore, it has been classified as a Variant of Uncertain Significance. Advanced modeling of protein sequence and biophysical properties (such as structural, functional, and spatial information, amino acid conservation, physicochemical variation, residue mobility, and thermodynamic stability) performed at Invitae indicates that this missense variant is not expected to disrupt RYR1 protein function. This variant has not been reported in the literature in individuals affected with RYR1-related conditions. This variant is not present in population databases (gnomAD no frequency). This sequence change replaces asparagine, which is neutral and polar, with lysine, which is basic and polar, at codon 2196 of the RYR1 protein (p.Asn2196Lys).